The following is an entry in ClinVar:

ClinVar aggregate classification (germline): Uncertain significance (1 of 4 stars; one submission).

gnomAD v4.1: 4 of 1,614,144 alleles (0.00025%); highest among the groups gnomAD compares: Non-Finnish European, 0.00034%; no homozygotes.

Submission:

Labcorp Genetics (formerly Invitae), Labcorp
Classification: Uncertain significance. Last evaluated: 2024-08-12. Review status: criteria provided, single submitter. Criteria: Invitae Variant Classification Sherloc (09022015). Collection method: clinical testing. Allele origin: germline.
Comment: This sequence change replaces aspartic acid, which is acidic and polar, with valine, which is neutral and non-polar, at codon 865 of the LPIN1 protein (p.Asp865Val). This variant is not present in population databases (gnomAD no frequency). This variant has not been reported in the literature in individuals affected with LPIN1-related conditions. ClinVar contains an entry for this variant (Variation ID: 1952662). Advanced modeling of protein sequence and biophysical properties (such as structural, functional, and spatial information, amino acid conservation, physicochemical variation, residue mobility, and thermodynamic stability) performed at Invitae indicates that this missense variant is expected to disrupt LPIN1 protein function with a positive predictive value of 80%. In summary, the available evidence is currently insufficient to determine the role of this variant in disease. Therefore, it has been classified as a Variant of Uncertain Significance.

NM_001349206.2(LPIN1):c.2702A>T (p.Asp901Val)

Gene: LPIN1 (lipin 1; plus strand). Cytogenetic location: 2p25.1.
Variant type: single nucleotide variant.
Coding change: c.2702A>T on transcript NM_001349206.2 (MANE Select); coding-DNA position 2702, A replaced by T.
Protein change: p.Asp901Val; replaces aspartic acid 901 with valine.
Molecular consequence: missense variant. On other transcripts: non-coding transcript variant (1).
Genome position (GRCh38, 1-based): chr2:11,824,712, A>T. VCF-style: chr2-11824712-A-T. GRCh37 (hg19) VCF-style: chr2-11964838-A-T.
Other names: c.2612A>T, p.Asp871Val (NM_001261427.3); c.2849A>T, p.Asp950Val (NM_001261428.3); c.2594A>T, p.Asp865Val (NM_001349199.2, NM_145693.4); c.2672A>T, p.Asp891Val (NM_001349200.2, NM_001349201.2); c.2699A>T, p.Asp900Val (NM_001349202.2, NM_001349203.2); c.2702A>T, p.Asp901Val (NM_001349204.2, NM_001349205.2); c.2792A>T, p.Asp931Val (NM_001349207.2); c.2741A>T, p.Asp914Val (NM_001349208.2); short protein forms D914V, D931V, D871V, D901V, D950V, D865V, D900V, D891V.
Identifiers: ClinVar variation 1952662 (VCV001952662.5), dbSNP rs773234393, ClinGen allele CA42597548.